The following is an entry in ClinVar:

ClinVar aggregate classification (germline): Benign/Likely benign. Review status: criteria provided, multiple submitters, no conflicts (2 of 4 stars). 2 submissions from 2 submitters: Benign (1); Likely benign (1). Last evaluated 2024-03-01.

Allele frequency attached by ClinVar (database versions not stated): 1000 Genomes Project 30x 0.00094; 1000 Genomes Project 0.00100; TOPMed 0.00230; ESP Exome Variant Server 0.00262; gnomAD 0.00356 and 0.00359; gnomAD exomes 0.00356; ExAC 0.00531.

Submissions (2):

CeGaT Center for Human Genetics Tuebingen
Classification: Likely benign. Last evaluated: 2024-03-01. Review status: criteria provided, single submitter. Criteria: CeGaT Center For Human Genetics Tuebingen Variant Classification Criteria Version 2. Collection method: clinical testing. Allele origin: germline. Affected: yes. Observed: 1 variant allele.
Comment: PLCB3: BS2

Labcorp Genetics (formerly Invitae), Labcorp
Classification: Benign. Last evaluated: 2019-12-31. Review status: criteria provided, single submitter. Criteria: Invitae Variant Classification Sherloc (09022015). Collection method: clinical testing. Allele origin: germline.

NM_000932.5(PLCB3):c.2416G>A (p.Val806Ile)

Gene: PLCB3 (phospholipase C beta 3; plus strand). Cytogenetic location: 11q13.1.
Variant type: single nucleotide variant.
Coding change: c.2416G>A on transcript NM_000932.5 (MANE Select); coding-DNA position 2416, G replaced by A.
Protein change: p.Val806Ile; replaces valine 806 with isoleucine.
Molecular consequence: missense variant.
Genome position (GRCh38, 1-based): chr11:64,263,558, G>A. VCF-style: chr11-64263558-G-A. GRCh37 (hg19) VCF-style: chr11-64031030-G-A.
Other names: c.2215G>A, p.Val739Ile (NM_001184883.2); c.2416G>A, p.Val806Ile (NM_001316314.3); short protein forms V739I, V806I.
Identifiers: ClinVar variation 787545 (VCV000787545.25), dbSNP rs145502455, ClinGen allele CA6071763.
Genomic context (GRCh38, chr11:64,263,558, plus strand): 5'-GTGGTGCTGCCCACGCTGGCTTCACTTCGCATTGCAGCCTTTGAGGAGGGGGGTAAATTC[G>A]TAGGGCACCGGATCCTGCCTGTCTCTGCCATCCGCTCCGGTGAGGCCTTGGTGGGCTCTG-3'
Protein context (NP_000923.1, residues 796-816): IAAFEEGGKF[Val806Ile]GHRILPVSAI